The following is an entry in ClinVar:

NM_005458.8(GABBR2):c.1982A>G (p.Tyr661Cys)

Gene: GABBR2 (gamma-aminobutyric acid type B receptor subunit 2; minus strand). Cytogenetic location: 9q22.33.
Variant type: single nucleotide variant.
Coding change: c.1982A>G on transcript NM_005458.8 (MANE Select); coding-DNA position 1982, A replaced by G.
Protein change: p.Tyr661Cys; replaces tyrosine 661 with cysteine.
Molecular consequence: missense variant.
Genome position (GRCh38, 1-based): chr9:98,311,117, T>C on the plus strand (A>G on the coding strand, the complement: GABBR2 is on the minus strand). VCF-style: chr9-98311117-T-C. GRCh37 (hg19) VCF-style: chr9-101073399-T-C.
Other names: c.1982A>G (NM_005458.7); short protein forms Y661C.
Identifiers: ClinVar variation 1036617 (VCV001036617.12), dbSNP rs1830628717, ClinGen allele CA374203280.
Genomic context (GRCh38, chr9:98,311,117, plus strand): 5'-GTGTCCCCCCTCAACACTGTCTCCTGCTCTGCACCTACCATGAGAAGTCCCTTGTAGGCA[T>C]AGACGATGCCAAGCCAGATGGTCATATGGGTGTTCTCACAGTGCTCCAGGAGAGGGCGGA-3'
Protein context (NP_005449.5, residues 651-671): THMTIWLGIV[Tyr661Cys]AYKGLLMLFG

ClinVar aggregate classification (germline): Uncertain significance. Review status: criteria provided, multiple submitters, no conflicts (2 of 4 stars). 3 submissions from 3 submitters: Uncertain significance (3). Last evaluated 2025-10-02.

Conditions:
Inborn genetic diseases. Identifiers: MedGen C0950123, MeSH D030342.
Epileptic encephalopathy. Identifiers: MedGen C0543888, HP:0200134.

Allele frequency attached by ClinVar (database versions not stated): gnomAD exomes below 0.00001.
gnomAD v4.1: 2 of 1,607,682 alleles (0.00012%); highest among the groups gnomAD compares: Non-Finnish European, 0.00017%; no homozygotes.

Submissions (3):

Ambry Genetics
Classification: Uncertain significance for Inborn genetic diseases. Last evaluated: 2025-10-02. Review status: criteria provided, single submitter. Criteria: Ambry Variant Classification Scheme 2023. Collection method: clinical testing. Allele origin: germline.

Labcorp Genetics (formerly Invitae), Labcorp
Classification: Uncertain significance for Epileptic encephalopathy. Last evaluated: 2025-09-15. Review status: criteria provided, single submitter. Criteria: Invitae Variant Classification Sherloc (09022015). Collection method: clinical testing. Allele origin: germline.
Comment: This sequence change replaces tyrosine, which is neutral and polar, with cysteine, which is neutral and slightly polar, at codon 661 of the GABBR2 protein (p.Tyr661Cys). This variant is not present in population databases (gnomAD no frequency). This variant has not been reported in the literature in individuals affected with GABBR2-related conditions. ClinVar contains an entry for this variant (Variation ID: 1036617). Invitae Evidence Modeling of protein sequence and biophysical properties (such as structural, functional, and spatial information, amino acid conservation, physicochemical variation, residue mobility, and thermodynamic stability) indicates that this missense variant is not expected to disrupt GABBR2 protein function with a negative predictive value of 80%. In summary, the available evidence is currently insufficient to determine the role of this variant in disease. Therefore, it has been classified as a Variant of Uncertain Significance.

Blueprint Genetics
Classification: Uncertain significance. Last evaluated: 2023-01-17. Review status: criteria provided, single submitter. Criteria: ACMG Guidelines, 2015. Collection method: clinical testing. Allele origin: germline.